The following is an entry in ClinVar:

NM_004612.4(TGFBR1):c.1479G>A (p.Ser493=)

Gene: TGFBR1 (transforming growth factor beta receptor 1; plus strand). Cytogenetic location: 9q22.33.
Variant type: single nucleotide variant.
Coding change: c.1479G>A on transcript NM_004612.4 (MANE Select); coding-DNA position 1479, G replaced by A.
Protein change: p.Ser493=; no amino-acid change (serine 493 retained).
Molecular consequence: synonymous variant.
Genome position (GRCh38, 1-based): chr9:99,149,272, G>A. VCF-style: chr9-99149272-G-A. GRCh37 (hg19) VCF-style: chr9-101911554-G-A.
Other names: c.1248G>A, p.Ser416= (NM_001130916.3); c.1491G>A, p.Ser497= (NM_001306210.2); c.1479G>A (NM_004612.3, NM_004612.2).
Identifiers: ClinVar variation 920347 (VCV000920347.25), dbSNP rs144985585, ClinGen allele CA040996.

ClinVar aggregate classification (germline): Likely benign. Review status: criteria provided, multiple submitters, no conflicts (2 of 4 stars). 8 submissions from 8 submitters: Likely benign (8). Last evaluated 2025-11-08.

Conditions:
Familial thoracic aortic aneurysm and aortic dissection (TAAD). Also called: Thoracic aortic aneurysms and dissections. Identifiers: Orphanet 91387, MedGen C4707243, MONDO:0019625.
Loeys-Dietz syndrome (LDS). Identifiers: Orphanet 60030, MedGen C2697932, MONDO:0018954.

Allele frequency attached by ClinVar (database versions not stated): gnomAD exomes 0.00001; ExAC 0.00002; TOPMed 0.00002; gnomAD 0.00004; ESP Exome Variant Server 0.00008.
gnomAD v4.1: 28 of 1,613,552 alleles (0.0017%); highest among the groups gnomAD compares: African/African-American, 0.008%; no homozygotes.

Submissions (8):

Labcorp Genetics (formerly Invitae), Labcorp
Classification: Likely benign for Familial thoracic aortic aneurysm and aortic dissection. Last evaluated: 2025-11-08. Review status: criteria provided, single submitter. Criteria: Invitae Variant Classification Sherloc (09022015). Collection method: clinical testing. Allele origin: germline.

CeGaT Center for Human Genetics Tuebingen
Classification: Likely benign. Last evaluated: 2025-03-01. Review status: criteria provided, single submitter. Criteria: CeGaT Center For Human Genetics Tuebingen Variant Classification Criteria Version 2. Collection method: clinical testing. Allele origin: germline. Affected: yes. Observed: 1 variant allele.
Comment: TGFBR1: BP4, BP7

Blueprint Genetics
Classification: Likely benign. Last evaluated: 2024-08-22. Review status: criteria provided, single submitter. Criteria: ACMG Guidelines, 2015. Collection method: clinical testing. Allele origin: germline.

All of Us Research Program, National Institutes of Health
Classification: Likely benign for Loeys-Dietz syndrome. Last evaluated: 2023-10-30. Review status: criteria provided, single submitter. Criteria: ACMG Guidelines, 2015. Collection method: clinical testing. Allele origin: germline. Inheritance: Autosomal dominant inheritance. Observed: 3 variant alleles, 3 heterozygotes.
Comment: This study involves interpretation of variants in research participants for the purpose of population health screening. Participant phenotype was not available at the time of variant classification. Additional details can be found in publication PMID: 35346344, PMCID: PMC8962531

Women's Health and Genetics/Laboratory Corporation of America, LabCorp
Classification: Likely benign. Last evaluated: 2023-08-24. Review status: criteria provided, single submitter. Criteria: LabCorp Variant Classification Summary - May 2015. Collection method: clinical testing. Allele origin: germline.

GeneDx
Classification: Likely benign. Last evaluated: 2021-06-22. Review status: criteria provided, single submitter. Criteria: GeneDx Variant Classification Process June 2021. Collection method: clinical testing. Allele origin: germline. Affected: yes.
Comment: This variant is associated with the following publications: (PMID: 26582918, 27535533)

Color Diagnostics, LLC DBA Color Health
Classification: Likely benign for Familial thoracic aortic aneurysm and aortic dissection. Last evaluated: 2020-02-09. Review status: criteria provided, single submitter. Criteria: ACMG Guidelines, 2015. Collection method: clinical testing. Allele origin: germline.

Ambry Genetics
Classification: Likely benign for Familial thoracic aortic aneurysm and aortic dissection. Last evaluated: 2019-10-28. Review status: criteria provided, single submitter. Criteria: Ambry Variant Classification Scheme 2023. Collection method: clinical testing. Allele origin: germline.